The following is an entry in ClinVar:

ClinVar aggregate classification (germline): Uncertain significance. Review status: criteria provided, single submitter (1 of 4 stars). 3 submissions from 3 submitters: Uncertain significance (1). 2 of the submissions do not count toward it. Last evaluated 2023-11-17.

Conditions:
TSC2-related disorder. Also called: TSC2-Related Disorders; TSC2-related condition.
Tuberous sclerosis 2 (TSC2). Identifiers: Orphanet 805, MedGen C1860707, MONDO:0013199, OMIM 613254.

Submissions (3):

Labcorp Genetics (formerly Invitae), Labcorp
Classification: Uncertain significance for Tuberous sclerosis 2. Last evaluated: 2023-11-17. Review status: criteria provided, single submitter. Criteria: Invitae Variant Classification Sherloc (09022015). Collection method: clinical testing. Allele origin: germline.
Comment: This sequence change creates a premature translational stop signal (p.Leu957Phefs*3) in the TSC2 gene. Loss-of-function variants in TSC2 are known to be pathogenic (PMID: 10205261, 17304050). However, tissue-specific alternative splicing of TSC2 gene results in a functional isoform lacking in-frame exon 26 (also known as exon 25, PMID: 26703369). For this reason the clinical significance of loss of function variants in exon 26 is currently uncertain. This variant is not present in population databases (gnomAD no frequency). This premature translational stop signal has been observed in individual(s) with chronic kidney disease (PMID: 30586318). ClinVar contains an entry for this variant (Variation ID: 562247). Algorithms developed to predict the effect of sequence changes on RNA splicing suggest that this variant may disrupt the consensus splice site. In summary, the available evidence is currently insufficient to determine the role of this variant in disease. Therefore, it has been classified as a Variant of Uncertain Significance.

PreventionGenetics, part of Exact Sciences
Classification: Uncertain significance for TSC2-related condition. Last evaluated: 2024-06-27. Review status: no assertion criteria provided. Collection method: clinical testing. Allele origin: germline. Not counted in ClinVar's aggregate classification.
Comment: The TSC2 c.2870dupT variant is predicted to result in a frameshift and premature protein termination (p.Leu957Phefs*3). This variant has been identified in one individual with chronic kidney disease (Groopman et al. 2019. PubMed ID: 30586318). This variant has not been reported in a large population database, indicating this variant is rare. Frameshift variants are expected to result in loss of function; however, it has been demonstrated that tissue-specific alternative splicing of the TSC2 gene results in a functional isoform that lacks exon 26 which is in-frame (also known as exon 25) (Ekong et al. 2016. PubMed ID: 26703369). This variant is classified as uncertain significance in ClinVar. At this time, the clinical significance of this variant is uncertain due to the absence of conclusive functional and genetic evidence.

Gharavi Laboratory, Columbia University
Classification: Likely pathogenic. Last evaluated: 2018-09-16. Review status: no assertion criteria provided. Criteria: ACMG Guidelines, 2015. Collection method: research. Allele origin: germline. Affected: yes. Not counted in ClinVar's aggregate classification.

Literature cited by the submitters: PubMed 10205261 (cited by Labcorp Genetics (formerly Invitae), Labcorp); PubMed 17304050 (cited by Labcorp Genetics (formerly Invitae), Labcorp); PubMed 30586318 (cited by Labcorp Genetics (formerly Invitae), Labcorp).

NM_000548.5(TSC2):c.2870dup (p.Leu957fs)

Gene: TSC2 (TSC complex subunit 2; plus strand). Cytogenetic location: 16p13.3.
Variant type: Duplication.
Coding change: c.2870dup on transcript NM_000548.5 (MANE Select); coding-DNA position 2870, one base duplicated (T; older notation c.2870dupT).
Protein change: p.Leu957fs; shifts the reading frame from leucine 957.
Molecular consequence: frameshift variant. On other transcripts: intron variant (9).
Genome position (GRCh38, 1-based): chr16:2,077,630, T duplicated; the last of 2 consecutive T bases (chr16:2,077,629-2,077,630); duplicating either gives the same sequence. VCF-style (leftmost placement, unchanged base first): chr16-2077628-C-CT. GRCh37 (hg19) VCF-style: chr16-2127629-C-CT.
Other names: c.2870dup, p.Leu957fs (NM_001114382.3); c.2837+1045dup (NM_021055.3, NM_001370405.1, NM_001363528.2 and 2 more transcripts); c.2726+1045dup (NM_001318827.2); c.2237+1045dup (NM_001318831.2); c.2690+1045dup (NM_001318829.2); c.2870+1045dup (NM_001318832.2); c.2870dupT (NM_000548.4); short protein forms L957fs.
Identifiers: ClinVar variation 562247 (VCV000562247.5), dbSNP rs1567490680, ClinGen allele CA658824383.